The following is an entry in ClinVar:

ClinVar aggregate classification (germline): Uncertain significance (1 of 4 stars; one submission).

Conditions:
Dilated cardiomyopathy 1W (CMD1W). Identifiers: Orphanet 154, MedGen C1969639, MONDO:0012667, OMIM 611407.

Submission:

Labcorp Genetics (formerly Invitae), Labcorp
Classification: Uncertain significance for Dilated cardiomyopathy 1W. Last evaluated: 2026-01-26. Review status: criteria provided, single submitter. Criteria: Invitae Variant Classification Sherloc (09022015). Collection method: clinical testing. Allele origin: germline.
Comment: This sequence change replaces isoleucine, which is neutral and non-polar, with valine, which is neutral and non-polar, at codon 115 of the VCL protein (p.Ile115Val). This variant is not present in population databases (gnomAD no frequency). This variant has not been reported in the literature in individuals affected with VCL-related conditions. An algorithm developed to predict the effect of missense changes on protein structure and function (PolyPhen-2) suggests that this variant is likely to be disruptive. In summary, the available evidence is currently insufficient to determine the role of this variant in disease. Therefore, it has been classified as a Variant of Uncertain Significance.

NM_014000.3(VCL):c.343A>G (p.Ile115Val)

Gene: VCL (vinculin; plus strand). Cytogenetic location: 10q22.2.
Variant type: single nucleotide variant.
Coding change: c.343A>G on transcript NM_014000.3 (MANE Select); coding-DNA position 343, A replaced by G.
Protein change: p.Ile115Val; replaces isoleucine 115 with valine.
Molecular consequence: missense variant.
Genome position (GRCh38, 1-based): chr10:74,070,773, A>G. VCF-style: chr10-74070773-A-G. GRCh37 (hg19) VCF-style: chr10-75830531-A-G.
Other names: c.343A>G, p.Ile115Val (NM_003373.4); short protein forms I115V.
Identifiers: ClinVar variation 4736198 (VCV004736198.1).